The following is an entry in ClinVar:

ClinVar aggregate classification (germline): Pathogenic (1 of 4 stars; one submission).

Submission:

Labcorp Genetics (formerly Invitae), Labcorp
Classification: Pathogenic. Last evaluated: 2023-11-03. Review status: criteria provided, single submitter. Criteria: Invitae Variant Classification Sherloc (09022015). Collection method: clinical testing. Allele origin: germline.
Comment: This sequence change creates a premature translational stop signal (p.Leu344Trpfs*26) in the ANO10 gene. It is expected to result in an absent or disrupted protein product. Loss-of-function variants in ANO10 are known to be pathogenic (PMID: 25089919). This variant is not present in population databases (gnomAD no frequency). This variant has not been reported in the literature in individuals affected with ANO10-related conditions. For these reasons, this variant has been classified as Pathogenic.

Literature cited by the submitters: PubMed 25089919.

NM_018075.5(ANO10):c.1029del (p.Leu344fs)

Gene: ANO10 (anoctamin 10; minus strand). Cytogenetic location: 3p22.1.
Variant type: Deletion.
Coding change: c.1029del on transcript NM_018075.5 (MANE Select); coding-DNA position 1029, one base deleted (C; older notation c.1029delC).
Protein change: p.Leu344fs; shifts the reading frame from leucine 344.
Molecular consequence: frameshift variant. On other transcripts: intron variant (1).
Genome position (GRCh38, 1-based): chr3:43,576,825, G deleted on the plus strand (C on the coding strand, the reverse complement: ANO10 is on the minus strand); the first of 2 consecutive G bases (chr3:43,576,825-43,576,826); deleting either gives the same sequence. VCF-style (leftmost placement, unchanged base first): chr3-43576824-AG-A. GRCh37 (hg19) VCF-style: chr3-43618316-AG-A.
Other names: c.1029del, p.Leu344fs (NM_001346463.2, NM_001346464.2, NM_001346465.2 and 3 more transcripts); c.831del, p.Leu278fs (NM_001346466.2, NM_001346469.2, NM_001204832.3); c.593-1961del (NM_001204834.3); c.696del, p.Leu233fs (NM_001204833.3); short protein forms L278fs, L233fs, L344fs.
Identifiers: ClinVar variation 2692976 (VCV002692976.3), dbSNP rs2529368984, ClinGen allele CA2697550842.